The following is an entry in ClinVar:

NM_000232.5(SGCB):c.19G>A (p.Ala7Thr)

Genes: SGCB (sarcoglycan beta; minus strand), LOC129992585 (ATAC-STARR-seq lymphoblastoid silent region 15421; plus strand). Cytogenetic location: 4q12.
Variant type: single nucleotide variant.
Coding change: c.19G>A on transcript NM_000232.5 (MANE Select); coding-DNA position 19, G replaced by A.
Protein change: p.Ala7Thr; replaces alanine 7 with threonine.
Molecular consequence: missense variant.
Genome position (GRCh38, 1-based): chr4:52,038,241, C>T on the plus strand (G>A on the coding strand, the complement: SGCB is on the minus strand). VCF-style: chr4-52038241-C-T. GRCh37 (hg19) VCF-style: chr4-52904407-C-T.
Other names: short protein forms A7T.
Identifiers: ClinVar variation 1925126 (VCV001925126.5), dbSNP rs2109380866, ClinGen allele CA356878697.

ClinVar aggregate classification (germline): Uncertain significance (1 of 4 stars; one submission).

Conditions:
Autosomal recessive limb-girdle muscular dystrophy type 2E (LGMDR4). Also called: MUSCULAR DYSTROPHY, LIMB-GIRDLE, AUTOSOMAL RECESSIVE 4. Identifiers: Orphanet 119, MedGen C1858593, MONDO:0011423, OMIM 604286. Disease mechanism: Affects gamma-sarcoglycan and also disrupts the integrity of the entire sarcoglycan complex..

Submission:

Labcorp Genetics (formerly Invitae), Labcorp
Classification: Uncertain significance for Autosomal recessive limb-girdle muscular dystrophy type 2E. Last evaluated: 2022-05-05. Review status: criteria provided, single submitter. Criteria: Invitae Variant Classification Sherloc (09022015). Collection method: clinical testing. Allele origin: germline.
Comment: In summary, the available evidence is currently insufficient to determine the role of this variant in disease. Therefore, it has been classified as a Variant of Uncertain Significance. Algorithms developed to predict the effect of missense changes on protein structure and function output the following: SIFT: "Tolerated"; PolyPhen-2: "Not Available"; Align-GVGD: "Class C0". The threonine amino acid residue is found in multiple mammalian species, which suggests that this missense change does not adversely affect protein function. This variant has not been reported in the literature in individuals affected with SGCB-related conditions. This variant is not present in population databases (gnomAD no frequency). This sequence change replaces alanine, which is neutral and non-polar, with threonine, which is neutral and polar, at codon 7 of the SGCB protein (p.Ala7Thr).